The following is an entry in ClinVar:

ClinVar aggregate classification (germline): Uncertain significance (1 of 4 stars; one submission).

Conditions:
Dystonic disorder. Also called: Dystonia. Identifiers: MedGen C0013421, MONDO:0003441, HP:0001332.

Allele frequency attached by ClinVar (database versions not stated): TOPMed 0.00003; gnomAD exomes below 0.00001; ExAC 0.00001; gnomAD 0.00001.

Submission:

Labcorp Genetics (formerly Invitae), Labcorp
Classification: Uncertain significance for Dystonic disorder. Last evaluated: 2024-02-17. Review status: criteria provided, single submitter. Criteria: Invitae Variant Classification Sherloc (09022015). Collection method: clinical testing. Allele origin: germline.
Comment: This sequence change replaces serine, which is neutral and polar, with asparagine, which is neutral and polar, at codon 495 of the ANO3 protein (p.Ser495Asn). This variant is present in population databases (rs746668678, gnomAD 0.01%). This variant has not been reported in the literature in individuals affected with ANO3-related conditions. ClinVar contains an entry for this variant (Variation ID: 2042637). Advanced modeling of protein sequence and biophysical properties (such as structural, functional, and spatial information, amino acid conservation, physicochemical variation, residue mobility, and thermodynamic stability) performed at Invitae indicates that this missense variant is not expected to disrupt ANO3 protein function with a negative predictive value of 80%. In summary, the available evidence is currently insufficient to determine the role of this variant in disease. Therefore, it has been classified as a Variant of Uncertain Significance.

NM_031418.4(ANO3):c.1484G>A (p.Ser495Asn)

Gene: ANO3 (anoctamin 3; plus strand). Cytogenetic location: 11p14.2.
Variant type: single nucleotide variant.
Coding change: c.1484G>A on transcript NM_031418.4 (MANE Select); coding-DNA position 1484, G replaced by A.
Protein change: p.Ser495Asn; replaces serine 495 with asparagine.
Molecular consequence: missense variant.
Genome position (GRCh38, 1-based): chr11:26,598,401, G>A. VCF-style: chr11-26598401-G-A. GRCh37 (hg19) VCF-style: chr11-26619948-G-A.
Other names: c.1667G>A, p.Ser556Asn (NM_001313726.2); c.1046G>A, p.Ser349Asn (NM_001313727.2); short protein forms S495N, S349N, S556N.
Identifiers: ClinVar variation 2042637 (VCV002042637.4), dbSNP rs746668678, ClinGen allele CA5926246.